The following is an entry in ClinVar:

NM_014956.5(CEP164):c.3539G>A (p.Arg1180Gln)

Gene: CEP164 (centrosomal protein 164; plus strand). Cytogenetic location: 11q23.3.
Variant type: single nucleotide variant.
Coding change: c.3539G>A on transcript NM_014956.5 (MANE Select); coding-DNA position 3539, G replaced by A.
Protein change: p.Arg1180Gln; replaces arginine 1180 with glutamine.
Molecular consequence: missense variant.
Genome position (GRCh38, 1-based): chr11:117,407,962, G>A. VCF-style: chr11-117407962-G-A. GRCh37 (hg19) VCF-style: chr11-117278678-G-A.
Other names: c.3548G>A, p.Arg1183Gln (NM_001271933.2); short protein forms R1180Q, R1183Q.
Identifiers: ClinVar variation 3142628 (VCV003142628.2), dbSNP rs568896676, ClinGen allele CA6295498.

ClinVar aggregate classification (germline): Uncertain significance. Review status: criteria provided, multiple submitters, no conflicts (2 of 4 stars). 2 submissions from 2 submitters: Uncertain significance (2). Last evaluated 2026-01-08.

Conditions:
Inborn genetic diseases. Identifiers: MedGen C0950123, MeSH D030342.
Nephronophthisis 15 (NPHP15). Identifiers: Orphanet 3156, MedGen C3541853, MONDO:0013917, OMIM 614845.

Allele frequency attached by ClinVar (database versions not stated): gnomAD 0.00001; gnomAD exomes 0.00001; TOPMed 0.00001; ExAC 0.00006.
gnomAD v4.1: 17 of 1,601,766 alleles (0.0011%); highest among the groups gnomAD compares: South Asian, 0.0057%; no homozygotes.

Submissions (2):

Labcorp Genetics (formerly Invitae), Labcorp
Classification: Uncertain significance for Nephronophthisis 15. Last evaluated: 2026-01-08. Review status: criteria provided, single submitter. Criteria: Invitae Variant Classification Sherloc (09022015). Collection method: clinical testing. Allele origin: germline.
Comment: This sequence change replaces arginine, which is basic and polar, with glutamine, which is neutral and polar, at codon 1180 of the CEP164 protein (p.Arg1180Gln). The frequency data for this variant in the population databases is considered unreliable, as metrics indicate poor data quality at this position in the gnomAD database. This variant has not been reported in the literature in individuals affected with CEP164-related conditions. ClinVar contains an entry for this variant (Variation ID: 3142628). Invitae Evidence Modeling of protein sequence and biophysical properties (such as structural, functional, and spatial information, amino acid conservation, physicochemical variation, residue mobility, and thermodynamic stability) indicates that this missense variant is not expected to disrupt CEP164 protein function with a negative predictive value of 80%. In summary, the available evidence is currently insufficient to determine the role of this variant in disease. Therefore, it has been classified as a Variant of Uncertain Significance.

Ambry Genetics
Classification: Uncertain significance for Inborn genetic diseases. Last evaluated: 2024-01-29. Review status: criteria provided, single submitter. Criteria: Ambry Variant Classification Scheme 2023. Collection method: clinical testing. Allele origin: germline.